The following is an entry in ClinVar:

ClinVar aggregate classification (germline): Uncertain significance (1 of 4 stars; one submission).

Conditions:
Charcot-Marie-Tooth disease axonal type 2P. Also called: CHARCOT-MARIE-TOOTH DISEASE, AXONAL, TYPE 2G; CMT 2G; CHARCOT-MARIE-TOOTH NEUROPATHY, TYPE 2P; Charcot-Marie-Tooth Neuropathy Type 2G. Identifiers: Orphanet 300319, Orphanet 99941, MedGen C3280797, MONDO:0013753, OMIM 614436.

Submission:

Labcorp Genetics (formerly Invitae), Labcorp
Classification: Uncertain significance for Charcot-Marie-Tooth disease axonal type 2P. Last evaluated: 2025-01-27. Review status: criteria provided, single submitter. Criteria: Invitae Variant Classification Sherloc (09022015). Collection method: clinical testing. Allele origin: germline.
Comment: This sequence change replaces alanine, which is neutral and non-polar, with valine, which is neutral and non-polar, at codon 105 of the LRSAM1 protein (p.Ala105Val). The frequency data for this variant in the population databases is considered unreliable, as metrics indicate poor data quality at this position in the gnomAD database. This variant has not been reported in the literature in individuals affected with LRSAM1-related conditions. Invitae Evidence Modeling of protein sequence and biophysical properties (such as structural, functional, and spatial information, amino acid conservation, physicochemical variation, residue mobility, and thermodynamic stability) indicates that this missense variant is not expected to disrupt LRSAM1 protein function with a negative predictive value of 80%. In summary, the available evidence is currently insufficient to determine the role of this variant in disease. Therefore, it has been classified as a Variant of Uncertain Significance.

NM_001005373.4(LRSAM1):c.314C>T (p.Ala105Val)

Gene: LRSAM1 (leucine rich repeat and sterile alpha motif containing 1; plus strand). Cytogenetic location: 9q33.3.
Variant type: single nucleotide variant.
Coding change: c.314C>T on transcript NM_001005373.4 (MANE Select); coding-DNA position 314, C replaced by T.
Protein change: p.Ala105Val; replaces alanine 105 with valine.
Molecular consequence: missense variant. On other transcripts: 5 prime UTR variant (1), non-coding transcript variant (2).
Genome position (GRCh38, 1-based): chr9:127,459,064, C>T. VCF-style: chr9-127459064-C-T. GRCh37 (hg19) VCF-style: chr9-130221343-C-T.
Other names: c.314C>T, p.Ala105Val (NM_001005374.4, NM_001190723.3, NM_001384142.1 and 2 more transcripts); c.-471C>T (NM_001384144.1); short protein forms A105V.
Identifiers: ClinVar variation 4741546 (VCV004741546.1).